The following is an entry in ClinVar:

NM_000110.4(DPYD):c.737A>C (p.Glu246Ala)

Gene: DPYD (dihydropyrimidine dehydrogenase; minus strand). Cytogenetic location: 1p21.3.
Variant type: single nucleotide variant.
Coding change: c.737A>C on transcript NM_000110.4 (MANE Select); coding-DNA position 737, A replaced by C.
Protein change: p.Glu246Ala; replaces glutamic acid 246 with alanine.
Molecular consequence: missense variant.
Genome position (GRCh38, 1-based): chr1:97,691,742, T>G on the plus strand (A>C on the coding strand, the complement: DPYD is on the minus strand). VCF-style: chr1-97691742-T-G. GRCh37 (hg19) VCF-style: chr1-98157298-T-G.
Other names: short protein forms E246A.
Identifiers: ClinVar variation 3842357 (VCV003842357.1).

ClinVar aggregate classification (germline): Uncertain significance (1 of 4 stars; one submission).

Conditions:
Inborn genetic diseases. Identifiers: MedGen C0950123, MeSH D030342.

Submission:

Ambry Genetics
Classification: Uncertain significance for Inborn genetic diseases. Last evaluated: 2025-01-13. Review status: criteria provided, single submitter. Criteria: Ambry Variant Classification Scheme 2023. Collection method: clinical testing. Allele origin: germline.
Comment: The p.E246A variant (also known as c.737A>C), located in coding exon 7 of the DPYD gene, results from an A to C substitution at nucleotide position 737. The glutamic acid at codon 246 is replaced by alanine, an amino acid with dissimilar properties. This amino acid position is conserved. In addition, the in silico prediction for this alteration is inconclusive. Based on the available evidence, the clinical significance of this variant remains unclear.